The following is an entry in ClinVar:

ClinVar aggregate classification (germline): Uncertain significance (1 of 4 stars; one submission).

Allele frequency attached by ClinVar (database versions not stated): gnomAD exomes below 0.00001.
gnomAD v4.1: 1 of 1,612,686 alleles (0.000062%); highest among the groups gnomAD compares: Non-Finnish European, 0.000085%; no homozygotes.

Submission:

CeGaT Center for Human Genetics Tuebingen
Classification: Uncertain significance. Last evaluated: 2024-06-01. Review status: criteria provided, single submitter. Criteria: CeGaT Center For Human Genetics Tuebingen Variant Classification Criteria Version 2. Collection method: clinical testing. Allele origin: germline. Affected: yes. Observed: 1 variant allele.
Comment: PSTPIP1: PM2

NM_003978.5(PSTPIP1):c.824G>A (p.Gly275Asp)

Gene: PSTPIP1 (proline-serine-threonine phosphatase interacting protein 1; plus strand). Cytogenetic location: 15q24.3.
Variant type: single nucleotide variant.
Coding change: c.824G>A on transcript NM_003978.5 (MANE Select); coding-DNA position 824, G replaced by A.
Protein change: p.Gly275Asp; replaces glycine 275 with aspartic acid.
Molecular consequence: missense variant.
Genome position (GRCh38, 1-based): chr15:77,032,380, G>A. VCF-style: chr15-77032380-G-A. GRCh37 (hg19) VCF-style: chr15-77324721-G-A.
Other names: c.824G>A, p.Gly275Asp (NM_001321135.2, NM_001411086.1); c.797G>A, p.Gly266Asp (NM_001321136.2); c.1019G>A, p.Gly340Asp (NM_001321137.1); short protein forms G266D, G275D, G340D.
Identifiers: ClinVar variation 3251131 (VCV003251131.18), dbSNP rs1303330088.